The following is an entry in ClinVar:

ClinVar aggregate classification (germline): Likely pathogenic (1 of 4 stars; one submission).

Conditions:
Muscular dystrophy. Identifiers: Orphanet 98473, MedGen C0026850, MeSH D009136, MONDO:0020121, HP:0003560.

Submission:

Dubai Health Genomic Medicine Center, Dubai Health
Classification: Likely pathogenic for Muscular dystrophy. Last evaluated: 2024-10-04. Review status: criteria provided, single submitter. Criteria: ACMG Guidelines, 2015. Collection method: research. Allele origin: germline. Affected: yes.
Comment: PVS1,PM2

NM_000337.6(SGCD):c.414del (p.Lys138fs)

Gene: SGCD (sarcoglycan delta; plus strand). Cytogenetic location: 5q33.3.
Variant type: Deletion.
Coding change: c.414del on transcript NM_000337.6 (MANE Select); coding-DNA position 414, one base deleted (A; older notation c.414delA).
Protein change: p.Lys138fs; shifts the reading frame from lysine 138.
Molecular consequence: frameshift variant.
Genome position (GRCh38, 1-based): chr5:156,594,963, A deleted; the last of 6 consecutive A bases (chr5:156,594,958-156,594,963); deleting any one gives the same sequence. VCF-style (leftmost placement, unchanged base first): chr5-156594957-TA-T. GRCh37 (hg19) VCF-style: chr5-156021967-TA-T.
Other names: c.411del, p.Lys137fs (NM_001128209.2); c.414del, p.Lys138fs (NM_172244.3); short protein forms K137fs, K138fs.
Identifiers: ClinVar variation 3384091 (VCV003384091.1).